The following is an entry in ClinVar:

ClinVar aggregate classification (germline): Uncertain significance. Review status: criteria provided, multiple submitters, no conflicts (2 of 4 stars). 3 submissions from 3 submitters: Uncertain significance (3). Last evaluated 2024-10-30.

Conditions:
Inborn genetic diseases. Identifiers: MedGen C0950123, MeSH D030342.

Allele frequency attached by ClinVar (database versions not stated): gnomAD 0.00001; TOPMed 0.00001.
gnomAD v4.1: 4 of 1,610,816 alleles (0.00025%); highest among the groups gnomAD compares: African/African-American, 0.0027%; no homozygotes.

Submissions (3):

Labcorp Genetics (formerly Invitae), Labcorp
Classification: Uncertain significance. Last evaluated: 2024-10-30. Review status: criteria provided, single submitter. Criteria: Invitae Variant Classification Sherloc (09022015). Collection method: clinical testing. Allele origin: germline.
Comment: This sequence change replaces valine, which is neutral and non-polar, with isoleucine, which is neutral and non-polar, at codon 558 of the CDH2 protein (p.Val558Ile). This variant is not present in population databases (gnomAD no frequency). This variant has not been reported in the literature in individuals affected with CDH2-related conditions. ClinVar contains an entry for this variant (Variation ID: 2565606). An algorithm developed to predict the effect of missense changes on protein structure and function outputs the following: PolyPhen-2: "Benign". The isoleucine amino acid residue is found in multiple mammalian species, which suggests that this missense change does not adversely affect protein function. In summary, the available evidence is currently insufficient to determine the role of this variant in disease. Therefore, it has been classified as a Variant of Uncertain Significance.

GeneDx
Classification: Uncertain significance. Last evaluated: 2023-10-28. Review status: criteria provided, single submitter. Criteria: GeneDx Variant Classification Process June 2021. Collection method: clinical testing. Allele origin: germline. Affected: yes.
Comment: Not observed at significant frequency in large population cohorts (gnomAD); In silico analysis supports that this missense variant does not alter protein structure/function; Has not been previously published as pathogenic or benign to our knowledge

Ambry Genetics
Classification: Uncertain significance for Inborn genetic diseases. Last evaluated: 2023-05-15. Review status: criteria provided, single submitter. Criteria: Ambry Variant Classification Scheme 2023. Collection method: clinical testing. Allele origin: germline.
Comment: The p.V558I variant (also known as c.1672G>A), located in coding exon 11 of the CDH2 gene, results from a G to A substitution at nucleotide position 1672. The valine at codon 558 is replaced by isoleucine, an amino acid with highly similar properties. This amino acid position is conserved. In addition, this alteration is predicted to be tolerated by in silico analysis. Since supporting evidence is limited at this time, the clinical significance of this alteration remains unclear.

NM_001792.5(CDH2):c.1672G>A (p.Val558Ile)

Gene: CDH2 (cadherin 2; minus strand). Cytogenetic location: 18q12.1.
Variant type: single nucleotide variant.
Coding change: c.1672G>A on transcript NM_001792.5 (MANE Select); coding-DNA position 1672, G replaced by A.
Protein change: p.Val558Ile; replaces valine 558 with isoleucine.
Molecular consequence: missense variant.
Genome position (GRCh38, 1-based): chr18:27,988,593, C>T on the plus strand (G>A on the coding strand, the complement: CDH2 is on the minus strand). VCF-style: chr18-27988593-C-T. GRCh37 (hg19) VCF-style: chr18-25568557-C-T.
Other names: c.1672G>A (NM_001792.4); c.1579G>A, p.Val527Ile (NM_001308176.2); short protein forms V527I, V558I.
Identifiers: ClinVar variation 2565606 (VCV002565606.5), dbSNP rs1247759762, ClinGen allele CA402107983.